The following is an entry in ClinVar:

ClinVar aggregate classification (germline): Uncertain significance (1 of 4 stars; one submission).

Conditions:
DNAH9-related disorder. Also called: DNAH9-related condition.

Submission:

PreventionGenetics, part of Exact Sciences
Classification: Uncertain significance for DNAH9-related condition. Last evaluated: 2025-12-29. Review status: criteria provided, single submitter. Criteria: ACMG Guidelines, 2015. Collection method: clinical testing. Allele origin: germline.
Comment: The DNAH9 c.7673T>C variant is predicted to result in the amino acid substitution p.Val2558Ala. To our knowledge, this variant has not been reported in the literature or in a large population database (gnomAD), indicating this variant is rare. At this time, the clinical significance of this variant is uncertain due to the absence of conclusive functional and genetic evidence.

NM_001372.4(DNAH9):c.7673T>C (p.Val2558Ala)

Gene: DNAH9 (dynein axonemal heavy chain 9; plus strand). Cytogenetic location: 17p12.
Variant type: single nucleotide variant.
Coding change: c.7673T>C on transcript NM_001372.4 (MANE Select); coding-DNA position 7673, T replaced by C.
Protein change: p.Val2558Ala; replaces valine 2558 with alanine.
Molecular consequence: missense variant.
Genome position (GRCh38, 1-based): chr17:11,781,129, T>C. VCF-style: chr17-11781129-T-C. GRCh37 (hg19) VCF-style: chr17-11684446-T-C.
Other names: short protein forms V2558A.
Identifiers: ClinVar variation 4996468 (VCV004996468.1).